The following is an entry in ClinVar:

NM_003764.4(STX11):c.34T>G (p.Ser12Ala)

Gene: STX11 (syntaxin 11; plus strand). Cytogenetic location: 6q24.2.
Variant type: single nucleotide variant.
Coding change: c.34T>G on transcript NM_003764.4 (MANE Select); coding-DNA position 34, T replaced by G.
Protein change: p.Ser12Ala; replaces serine 12 with alanine.
Molecular consequence: missense variant.
Genome position (GRCh38, 1-based): chr6:144,186,661, T>G. VCF-style: chr6-144186661-T-G. GRCh37 (hg19) VCF-style: chr6-144507798-T-G.
Other names: short protein forms S12A.
Identifiers: ClinVar variation 1017926 (VCV001017926.8), dbSNP rs1802044955, ClinGen allele CA365948390.

ClinVar aggregate classification (germline): Uncertain significance (1 of 4 stars; one submission).

Conditions:
Familial hemophagocytic lymphohistiocytosis 4 (FHL4). Also called: STX11-Related Familial Hemophagocytic Lymphohistiocytosis (STX11-fHLH). Identifiers: Orphanet 540, MedGen C1863728, MONDO:0011336, OMIM 603552.

Submission:

Labcorp Genetics (formerly Invitae), Labcorp
Classification: Uncertain significance for Familial hemophagocytic lymphohistiocytosis 4. Last evaluated: 2020-06-16. Review status: criteria provided, single submitter. Criteria: Invitae Variant Classification Sherloc (09022015). Collection method: clinical testing. Allele origin: germline.
Comment: This variant is not present in population databases (ExAC no frequency). This sequence change replaces serine with alanine at codon 12 of the STX11 protein (p.Ser12Ala). The serine residue is moderately conserved and there is a moderate physicochemical difference between serine and alanine. This variant has not been reported in the literature in individuals with STX11-related conditions. Algorithms developed to predict the effect of missense changes on protein structure and function output the following: SIFT: "Tolerated"; PolyPhen-2: "Benign"; Align-GVGD: "Class C0". The alanine amino acid residue is found in multiple mammalian species, suggesting that this missense change does not adversely affect protein function. These predictions have not been confirmed by published functional studies and their clinical significance is uncertain. In summary, the available evidence is currently insufficient to determine the role of this variant in disease. Therefore, it has been classified as a Variant of Uncertain Significance.